The following is an entry in ClinVar:

NM_006231.4(POLE):c.6679del (p.Gly2226_Val2227insTer)

Gene: POLE (DNA polymerase epsilon, catalytic subunit; minus strand). Cytogenetic location: 12q24.33.
Variant type: Deletion.
Coding change: c.6679del on transcript NM_006231.4 (MANE Select); coding-DNA position 6679, one base deleted (G; older notation c.6679delG).
Protein change: p.Gly2226_Val2227insTer.
Molecular consequence: nonsense.
Genome position (GRCh38, 1-based): chr12:132,624,973, C deleted on the plus strand (G on the coding strand, the reverse complement: POLE is on the minus strand); the first of 4 consecutive C bases (chr12:132,624,973-132,624,976); deleting any one gives the same sequence. VCF-style (leftmost placement, unchanged base first): chr12-132624972-AC-A. GRCh37 (hg19) VCF-style: chr12-133201558-AC-A.
Identifiers: ClinVar variation 4768580 (VCV004768580.1).
Genomic context (GRCh38, chr12:132,624,972, plus strand): 5'-TGGATGGTGAGGGCGAAGTCTCCCGCGCAGCTGCAGTACACAGGCATGCTGGTCTCCTTC[AC>A]CCCGCGGCACTTCAGGCAGACCTGAAAGGGAGCAGCCCCGATGGGCGCCAGCCCTCCCGC-3'

ClinVar aggregate classification (germline): Pathogenic (1 of 4 stars; one submission).

Submission:

Labcorp Genetics (formerly Invitae), Labcorp
Classification: Pathogenic. Last evaluated: 2026-01-25. Review status: criteria provided, single submitter. Criteria: Invitae Variant Classification Sherloc (09022015). Collection method: clinical testing. Allele origin: germline.
Comment: This sequence change creates a premature translational stop signal (p.Val2227*) in the POLE gene. It is expected to result in an absent or disrupted protein product. Loss-of-function variants in POLE are known to be pathogenic (PMID: 23230001, 25948378, 30503519). This variant is not present in population databases (gnomAD no frequency). This variant has not been reported in the literature in individuals affected with POLE-related conditions. For these reasons, this variant has been classified as Pathogenic.

Literature cited by the submitters: PubMed 23230001; PubMed 25948378; PubMed 30503519.